The following is an entry in ClinVar:

ClinVar aggregate classification (germline): Pathogenic (1 of 4 stars; one submission).

Conditions:
Charcot-Marie-Tooth disease axonal type 2T. Identifiers: Orphanet 443950, MedGen C4015635, OMIM 617017, MONDO:0014866.

Submission:

Women's Health and Genetics/Laboratory Corporation of America, LabCorp
Classification: Pathogenic for Charcot-Marie-Tooth disease axonal type 2T. Last evaluated: 2026-06-16. Review status: criteria provided, single submitter. Criteria: LabCorp Variant Classification Summary - May 2015. Collection method: clinical testing. Allele origin: germline.
Comment: Variant summary: The variant involves the deletion of exons 1-23 in the MME gene. A presumed nomenclature of c.(?_-159)_(*3246_?)del has been designated for the purposes of this classification. This deletion includes the entire coding sequence of the gene. As the exact proximal and distal breakpoints are unknown, it may extend beyond the annotated region of the gene to include other flanking genes. Loss-of-function variants in this gene are known to be pathogenic. The variant was absent in 21648 control chromosomes. To our knowledge, no occurrence of c.(?_-159)_(*3246_?)del in individuals affected with MME-related conditions and no experimental evidence demonstrating its impact on protein function have been reported. ClinVar contains an entry for this variant (Variation ID: 2425709). Based on the evidence outlined above, the variant was classified as pathogenic.

NC_000003.11:g.(?_154798107)_(154901494_?)del

Gene: MME (membrane metalloendopeptidase; plus strand). Cytogenetic location: 3q25.2.
Variant type: Deletion.
Identifiers: ClinVar variation 4887222 (VCV004887222.1).